The following is an entry in ClinVar:

NM_001330078.2(NRXN1):c.1089T>A (p.Asn363Lys)

Gene: NRXN1 (neurexin 1; minus strand). Cytogenetic location: 2p16.3.
Variant type: single nucleotide variant.
Coding change: c.1089T>A on transcript NM_001330078.2 (MANE Select); coding-DNA position 1089, T replaced by A.
Protein change: p.Asn363Lys; replaces asparagine 363 with lysine.
Molecular consequence: missense variant.
Genome position (GRCh38, 1-based): chr2:50,623,359, A>T on the plus strand (T>A on the coding strand, the complement: NRXN1 is on the minus strand). VCF-style: chr2-50623359-A-T. GRCh37 (hg19) VCF-style: chr2-50850497-A-T.
Other names: c.1188T>A, p.Asn396Lys (NM_001135659.3); c.1089T>A, p.Asn363Lys (NM_001330077.2, NM_001330082.2, NM_001330085.2 and 3 more transcripts); c.1029T>A, p.Asn343Lys (NM_001330083.2, NM_001330084.2, NM_001330087.2 and 1 more transcripts); c.1059T>A, p.Asn353Lys (NM_001330088.2); c.1086T>A, p.Asn362Lys (NM_001330093.2); c.1077T>A, p.Asn359Lys (NM_001330094.2); short protein forms N396K, N353K, N359K, N363K, N343K, N362K.
Identifiers: ClinVar variation 4722719 (VCV004722719.1).

ClinVar aggregate classification (germline): Uncertain significance (1 of 4 stars; one submission).

Conditions:
Pitt-Hopkins-like syndrome 2 (PTHSL2). Identifiers: Orphanet 221150, Orphanet 600663, MedGen C3280479, MONDO:0013690, OMIM 614325.

Submission:

Labcorp Genetics (formerly Invitae), Labcorp
Classification: Uncertain significance for Pitt-Hopkins-like syndrome 2. Last evaluated: 2025-07-06. Review status: criteria provided, single submitter. Criteria: Invitae Variant Classification Sherloc (09022015). Collection method: clinical testing. Allele origin: germline.
Comment: This sequence change replaces asparagine, which is neutral and polar, with lysine, which is basic and polar, at codon 396 of the NRXN1 protein (p.Asn396Lys). This variant is not present in population databases (gnomAD no frequency). This variant has not been reported in the literature in individuals affected with NRXN1-related conditions. An algorithm developed to predict the effect of missense changes on protein structure and function (PolyPhen-2) suggests that this variant is likely to be disruptive. In summary, the available evidence is currently insufficient to determine the role of this variant in disease. Therefore, it has been classified as a Variant of Uncertain Significance.